The following is an entry in ClinVar:

ClinVar aggregate classification (germline): Uncertain significance. Review status: criteria provided, multiple submitters, no conflicts (2 of 4 stars). 2 submissions from 2 submitters: Uncertain significance (2). Last evaluated 2024-09-26.

Conditions:
Inborn genetic diseases. Identifiers: MedGen C0950123, MeSH D030342.

Allele frequency attached by ClinVar (database versions not stated): ESP Exome Variant Server 0.00008.
gnomAD v4.1: 14 of 1,612,724 alleles (0.00087%); highest among the groups gnomAD compares: South Asian, 0.0022%; no homozygotes.

Submissions (2):

Ambry Genetics
Classification: Uncertain significance for Inborn genetic diseases. Last evaluated: 2024-09-26. Review status: criteria provided, single submitter. Criteria: Ambry Variant Classification Scheme 2023. Collection method: clinical testing. Allele origin: germline.

Labcorp Genetics (formerly Invitae), Labcorp
Classification: Uncertain significance. Last evaluated: 2022-10-13. Review status: criteria provided, single submitter. Criteria: Invitae Variant Classification Sherloc (09022015). Collection method: clinical testing. Allele origin: germline.
Comment: This sequence change replaces arginine, which is basic and polar, with tryptophan, which is neutral and slightly polar, at codon 896 of the ADAMTSL4 protein (p.Arg896Trp). This variant is present in population databases (rs145517687, gnomAD 0.005%). This variant has not been reported in the literature in individuals affected with ADAMTSL4-related conditions. ClinVar contains an entry for this variant (Variation ID: 1484953). Algorithms developed to predict the effect of missense changes on protein structure and function (SIFT, PolyPhen-2, Align-GVGD) all suggest that this variant is likely to be disruptive. In summary, the available evidence is currently insufficient to determine the role of this variant in disease. Therefore, it has been classified as a Variant of Uncertain Significance.

NM_019032.6(ADAMTSL4):c.2686C>T (p.Arg896Trp)

Gene: ADAMTSL4 (ADAMTS like 4; plus strand). Cytogenetic location: 1q21.2.
Variant type: single nucleotide variant.
Coding change: c.2686C>T on transcript NM_019032.6 (MANE Select); coding-DNA position 2686, C replaced by T.
Protein change: p.Arg896Trp; replaces arginine 896 with tryptophan.
Molecular consequence: missense variant.
Genome position (GRCh38, 1-based): chr1:150,559,088, C>T. VCF-style: chr1-150559088-C-T. GRCh37 (hg19) VCF-style: chr1-150531564-C-T.
Other names: c.2569C>T, p.Arg857Trp (NM_001288607.2); c.2755C>T, p.Arg919Trp (NM_001288608.2); c.2686C>T, p.Arg896Trp (NM_001378596.1); c.2686C>T (NM_019032.4); short protein forms R896W, R919W, R857W.
Identifiers: ClinVar variation 1484953 (VCV001484953.4), dbSNP rs145517687, ClinGen allele CA30073118.